The following is an entry in ClinVar:

NM_000088.4(COL1A1):c.727G>T (p.Glu243Ter)

Genes: COL1A1 (collagen type I alpha 1 chain; minus strand), LOC126862586 (CDK7 strongly-dependent group 2 enhancer GRCh37_chr17:48273702-48274901; plus strand). Cytogenetic location: 17q21.33.
Variant type: single nucleotide variant.
Coding change: c.727G>T on transcript NM_000088.4 (MANE Select); coding-DNA position 727, G replaced by T.
Protein change: p.Glu243Ter; replaces glutamic acid 243 with a stop codon.
Molecular consequence: nonsense.
Genome position (GRCh38, 1-based): chr17:50,197,203, C>A on the plus strand (G>T on the coding strand, the complement: COL1A1 is on the minus strand). VCF-style: chr17-50197203-C-A. GRCh37 (hg19) VCF-style: chr17-48274564-C-A.
Other names: short protein forms E243*.
Identifiers: ClinVar variation 931153 (VCV000931153.8), dbSNP rs1907672538, ClinGen allele CA400224214.
Genomic context (GRCh38, chr17:50,197,203, plus strand): 5'-CAGTGAAGCCCAGGTTCAGCCACAGCCCCCTGCTCACCTGAGGCCCAGGAGGCCCACGCT[C>A]ACCAGGACGACCAGGTTTTCCAGCTTCCCCCTGAGAGGGAGAGAAAAGACCATCATGCCT-3'

ClinVar aggregate classification (germline): Pathogenic. Review status: criteria provided, multiple submitters, no conflicts (2 of 4 stars). 2 submissions from 2 submitters: Pathogenic (2). Last evaluated 2022-06-10.

Conditions:
Osteogenesis imperfecta with normal sclerae, dominant form (OI4). Also called: OSTEOGENESIS IMPERFECTA, TYPE IV, WITH DENTINOGENESIS IMPERFECTA; Osteogenesis imperfecta type 4; OSTEOGENESIS IMPERFECTA WITH NORMAL SCLERAE; Osteogenesis Imperfecta Type IV; Common Variable Osteogenesis Imperfecta with Normal Sclerae. Identifiers: Orphanet 216820, Orphanet 666, MedGen C0268363, MONDO:0008148, OMIM 166220.
Osteogenesis imperfecta type I (OI1). Also called: Lobstein's Disease; Osteogenesis imperfecta type 1; OI, TYPE I; OSTEOGENESIS IMPERFECTA TARDA; OSTEOGENESIS IMPERFECTA WITH BLUE SCLERAE; Lobstein disease. Identifiers: Orphanet 216796, Orphanet 666, MedGen C0023931, MONDO:0008146, OMIM 166200. Disease mechanism: loss of function.

Submissions (2):

Labcorp Genetics (formerly Invitae), Labcorp
Classification: Pathogenic for Osteogenesis imperfecta type I. Last evaluated: 2022-06-10. Review status: criteria provided, single submitter. Criteria: Invitae Variant Classification Sherloc (09022015). Collection method: clinical testing. Allele origin: germline.
Comment: For these reasons, this variant has been classified as Pathogenic. ClinVar contains an entry for this variant (Variation ID: 931153). This variant has not been reported in the literature in individuals affected with COL1A1-related conditions. This variant is not present in population databases (gnomAD no frequency). This sequence change creates a premature translational stop signal (p.Glu243*) in the COL1A1 gene. It is expected to result in an absent or disrupted protein product. Loss-of-function variants in COL1A1 are known to be pathogenic (PMID: 7942841, 9295084, 9443882).

Centre for Mendelian Genomics, University Medical Centre Ljubljana
Classification: Pathogenic for Osteogenesis imperfecta with normal sclerae, dominant form. Last evaluated: 2019-05-30. Review status: criteria provided, single submitter. Criteria: ACMG Guidelines, 2015. Collection method: clinical testing. Allele origin: unknown. Affected: yes.
Comment: This variant was classified as: Pathogenic. The following ACMG criteria were applied in classifying this variant: PVS1,PM2,PP5.

Literature cited by the submitters: PubMed 7942841 (cited by Labcorp Genetics (formerly Invitae), Labcorp); PubMed 9295084 (cited by Labcorp Genetics (formerly Invitae), Labcorp); PubMed 9443882 (cited by Labcorp Genetics (formerly Invitae), Labcorp).